The following is an entry in ClinVar:

NM_000548.5(TSC2):c.4967A>T (p.Asp1656Val)

Gene: TSC2 (TSC complex subunit 2; plus strand). Cytogenetic location: 16p13.3.
Variant type: single nucleotide variant.
Coding change: c.4967A>T on transcript NM_000548.5 (MANE Select); coding-DNA position 4967, A replaced by T.
Protein change: p.Asp1656Val; replaces aspartic acid 1656 with valine.
Molecular consequence: missense variant.
Genome position (GRCh38, 1-based): chr16:2,086,849, A>T. VCF-style: chr16-2086849-A-T. GRCh37 (hg19) VCF-style: chr16-2136850-A-T.
Other names: c.4658A>T, p.Asp1553Val (NM_001318827.2); c.4622A>T, p.Asp1541Val (NM_001318829.2); c.4235A>T, p.Asp1412Val (NM_001318831.2); c.4799A>T, p.Asp1600Val (NM_001318832.2); c.4769A>T, p.Asp1590Val (NM_001363528.2); c.4835A>T, p.Asp1612Val (NM_001370404.1); c.4838A>T, p.Asp1613Val (NM_001370405.1, NM_021055.3); c.4964A>T, p.Asp1655Val (NM_001406663.1); and 26 more; short protein forms D1055V, D1141V, D1142V, D1164V, D1165V, D1185V, D1389V, D1390V.
Identifiers: ClinVar variation 1717222 (VCV001717222.5), dbSNP rs1567124767, ClinGen allele CA394309040.

ClinVar aggregate classification (germline): Uncertain significance (1 of 4 stars; one submission).

Conditions:
Tuberous sclerosis 2 (TSC2). Identifiers: Orphanet 805, MedGen C1860707, MONDO:0013199, OMIM 613254.

Submission:

Labcorp Genetics (formerly Invitae), Labcorp
Classification: Uncertain significance for Tuberous sclerosis 2. Last evaluated: 2025-06-09. Review status: criteria provided, single submitter. Criteria: Invitae Variant Classification Sherloc (09022015). Collection method: clinical testing. Allele origin: germline.
Comment: This sequence change replaces aspartic acid, which is acidic and polar, with valine, which is neutral and non-polar, at codon 1656 of the TSC2 protein (p.Asp1656Val). This variant is not present in population databases (gnomAD no frequency). This variant has not been reported in the literature in individuals affected with TSC2-related conditions. ClinVar contains an entry for this variant (Variation ID: 1717222). Invitae Evidence Modeling of protein sequence and biophysical properties (such as structural, functional, and spatial information, amino acid conservation, physicochemical variation, residue mobility, and thermodynamic stability) indicates that this missense variant is not expected to disrupt TSC2 protein function with a negative predictive value of 95%. In summary, the available evidence is currently insufficient to determine the role of this variant in disease. Therefore, it has been classified as a Variant of Uncertain Significance.